The following is an entry in ClinVar:

ClinVar aggregate classification (germline): Uncertain significance. Review status: criteria provided, multiple submitters, no conflicts (2 of 4 stars). 2 submissions from 2 submitters: Uncertain significance (2). Last evaluated 2025-12-29.

gnomAD v4.1: 23 of 1,614,198 alleles (0.0014%); highest among the groups gnomAD compares: South Asian, 0.024%; no homozygotes.

Submissions (2):

Center for Genomic Medicine, Rigshospitalet, Copenhagen University Hospital
Classification: Uncertain significance. Last evaluated: 2025-12-29. Review status: criteria provided, single submitter. Criteria: ACMG Guidelines, 2015. Collection method: clinical testing. Allele origin: germline.

Ambry Genetics
Classification: Uncertain significance. Last evaluated: 2024-09-01. Review status: criteria provided, single submitter. Criteria: Ambry Variant Classification Scheme 2023. Collection method: clinical testing. Allele origin: germline.
Comment: The p.G1014S variant (also known as c.3040G>A), located in coding exon 1 of the MLH3 gene, results from a G to A substitution at nucleotide position 3040. The glycine at codon 1014 is replaced by serine, an amino acid with similar properties. This amino acid position is conserved. In addition, this alteration is predicted to be tolerated by in silico analysis. Based on the available evidence, the clinical significance of this variant remains unclear.

NM_001040108.2(MLH3):c.3040G>A (p.Gly1014Ser)

Gene: MLH3 (mutL homolog 3; minus strand). Cytogenetic location: 14q24.3.
Variant type: single nucleotide variant.
Coding change: c.3040G>A on transcript NM_001040108.2 (MANE Select); coding-DNA position 3040, G replaced by A.
Protein change: p.Gly1014Ser; replaces glycine 1014 with serine.
Molecular consequence: missense variant.
Genome position (GRCh38, 1-based): chr14:75,046,616, C>T on the plus strand (G>A on the coding strand, the complement: MLH3 is on the minus strand). VCF-style: chr14-75046616-C-T. GRCh37 (hg19) VCF-style: chr14-75513319-C-T.
Other names: c.3040G>A, p.Gly1014Ser (NM_014381.3); short protein forms G1014S.
Identifiers: ClinVar variation 3256277 (VCV003256277.4).